The following is an entry in ClinVar:

ClinVar aggregate classification (germline): Uncertain significance (1 of 4 stars; one submission).

Conditions:
Hypertrophic cardiomyopathy. Also called: HYPERTROPHIC MYOCARDIOPATHY. Identifiers: Orphanet 217569, MedGen C0007194, MeSH D002312, MONDO:0005045, HP:0001639.

Submission:

Labcorp Genetics (formerly Invitae), Labcorp
Classification: Uncertain significance for Hypertrophic cardiomyopathy. Last evaluated: 2019-10-24. Review status: criteria provided, single submitter. Criteria: Invitae Variant Classification Sherloc (09022015). Collection method: clinical testing. Allele origin: germline.
Comment: In summary, this variant is a novel missense change with uncertain impact on protein function. It has been classified as a Variant of Uncertain Significance. Algorithms developed to predict the effect of missense changes on protein structure and function do not agree on the potential impact of this missense change (SIFT: "Deleterious"; PolyPhen-2: "Benign"; Align-GVGD: "Class C45"). This variant is not present in population databases (ExAC no frequency) and has not been reported in the literature in individuals with a MYH7-related disease. This sequence change replaces glutamine with lysine at codon 518 of the MYH7 protein (p.Gln518Lys). The glutamine residue is highly conserved and there is a small physicochemical difference between glutamine and lysine.

NM_000257.4(MYH7):c.1552C>A (p.Gln518Lys)

Gene: MYH7 (myosin heavy chain 7; minus strand). Cytogenetic location: 14q11.2.
Variant type: single nucleotide variant.
Coding change: c.1552C>A on transcript NM_000257.4 (MANE Select); coding-DNA position 1552, C replaced by A.
Protein change: p.Gln518Lys; replaces glutamine 518 with lysine.
Molecular consequence: missense variant.
Genome position (GRCh38, 1-based): chr14:23,428,526, G>T on the plus strand (C>A on the coding strand, the complement: MYH7 is on the minus strand). VCF-style: chr14-23428526-G-T. GRCh37 (hg19) VCF-style: chr14-23897735-G-T.
Other names: short protein forms Q518K.
Identifiers: ClinVar variation 407196 (VCV000407196.11), dbSNP rs1060501450, ClinGen allele CA16614495.